The following is an entry in ClinVar:

NM_001127222.2(CACNA1A):c.511G>A (p.Val171Ile)

Gene: CACNA1A (calcium voltage-gated channel subunit alpha1 A; minus strand). Cytogenetic location: 19p13.13.
Variant type: single nucleotide variant.
Coding change: c.511G>A on transcript NM_001127222.2 (MANE Select); coding-DNA position 511, G replaced by A.
Protein change: p.Val171Ile; replaces valine 171 with isoleucine.
Molecular consequence: missense variant.
Genome position (GRCh38, 1-based): chr19:13,452,904, C>T on the plus strand (G>A on the coding strand, the complement: CACNA1A is on the minus strand). VCF-style: chr19-13452904-C-T. GRCh37 (hg19) VCF-style: chr19-13563718-C-T.
Other names: c.511G>A, p.Val171Ile (NM_000068.4, NM_001127221.2, NM_001174080.2 and 1 more transcripts); short protein forms V171I.
Identifiers: ClinVar variation 3361995 (VCV003361995.6).

ClinVar aggregate classification (germline): Uncertain significance. Review status: criteria provided, multiple submitters, no conflicts (2 of 4 stars). 4 submissions from 4 submitters: Uncertain significance (4). Last evaluated 2025-04-08.

Conditions:
Developmental and epileptic encephalopathy, 42 (DEE42A). Also called: DEVELOPMENTAL AND EPILEPTIC ENCEPHALOPATHY 42A; EPILEPTIC ENCEPHALOPATHY, EARLY INFANTILE, 42A; Epileptic encephalopathy, early infantile, 42. Identifiers: MedGen C4310716, MONDO:0014917, OMIM 617106.
Episodic ataxia type 2 (EA2). Also called: ATAXIA, EPISODIC, WITH NYSTAGMUS; ATAXIA, FAMILIAL PAROXYSMAL; CEREBELLAR ATAXIA, PAROXYSMAL, ACETAZOLAMIDE-RESPONSIVE; CEREBELLOPATHY, HEREDITARY PAROXYSMAL; EPISODIC ATAXIA, NYSTAGMUS-ASSOCIATED; ACETAZOLAMIDE-RESPONSIVE HEREDITARY PAROXYSMAL CEREBELLAR ATAXIA. Identifiers: Orphanet 97, MedGen C1720416, MONDO:0007163, OMIM 108500.
Paroxysmal central nervous system disorders.

Submissions (4):

Dasa
Classification: Uncertain significance. Last evaluated: 2025-04-08. Review status: criteria provided, single submitter. Criteria: DASA Assertion Criteria. Collection method: clinical testing. Allele origin: germline.
Comment: NM_001127222.2(CACNA1A):c.511G>A (p.Val171Ile) is a missense variant that results in the substitution of valine with isoleucine. The affected residue or protein region has prior evidence supporting clinical relevance. This variant is rare in population databases. The currently available literature and clinical evidence are not sufficient to establish a definitive association between this variant and the reported condition. Therefore, this variant is classified as a variant of uncertain significance.

Labcorp Genetics (formerly Invitae), Labcorp
Classification: Uncertain significance for Developmental and epileptic encephalopathy, 42; Episodic ataxia type 2. Last evaluated: 2024-11-12. Review status: criteria provided, single submitter. Criteria: Invitae Variant Classification Sherloc (09022015). Collection method: clinical testing. Allele origin: germline.
Comment: This sequence change replaces valine, which is neutral and non-polar, with isoleucine, which is neutral and non-polar, at codon 171 of the CACNA1A protein (p.Val171Ile). This variant is present in population databases (no rsID available, gnomAD 0.003%). This variant has not been reported in the literature in individuals affected with CACNA1A-related conditions. Invitae Evidence Modeling of protein sequence and biophysical properties (such as structural, functional, and spatial information, amino acid conservation, physicochemical variation, residue mobility, and thermodynamic stability) has been performed for this missense variant. However, the output from this modeling did not meet the statistical confidence thresholds required to predict the impact of this variant on CACNA1A protein function. In summary, the available evidence is currently insufficient to determine the role of this variant in disease. Therefore, it has been classified as a Variant of Uncertain Significance.

Cambridge Genomics Laboratory, East Genomic Laboratory Hub, NHS Genomic Medicine Service
Classification: Uncertain significance for Paroxysmal central nervous system disorders. Last evaluated: 2023-11-29. Review status: criteria provided, single submitter. Criteria: ACGS Best Practice Guidelines for Variant Classification in Rare Disease 2020. Collection method: clinical testing. Allele origin: germline. Affected: yes.
Comment: The p.Val171Ile variant is observed in 1/34.520 (0.0029%) alleles from individuals of gnomAD Latino background in gnomAD All. The p.Val171Ile variant is novel (not in any individuals) in 1kG All. The p.Val171Ile variant is novel (not in any individuals) in gnomAD Genomes v3 All. (PM2 - Moderate) | The gene CACNA1A has a low rate of benign missense variation as indicated by a high missense variants Z-Score of 5.78. The gene CACNA1A contains 145 pathogenic missense variants, indicating that missense variants are a common mechanism of disease in this gene. (PP2 - Supporting) | The patient's phenotype or family history is highly specific for a disease with a single genetic etiology. (PP4 - Supporting)

GeneDx
Classification: Uncertain significance. Last evaluated: 2023-05-26. Review status: criteria provided, single submitter. Criteria: GeneDx Variant Classification Process June 2021. Collection method: clinical testing. Allele origin: germline. Affected: yes.
Comment: Not observed at significant frequency in large population cohorts (gnomAD); In silico analysis supports that this missense variant does not alter protein structure/function; Has not been previously published as pathogenic or benign to our knowledge